The following is an entry in ClinVar:

ClinVar aggregate classification (germline): Benign (3 of 4 stars; one submission).

Conditions:
Breast-ovarian cancer, familial, susceptibility to, 1 (BROVCA1). Also called: OVARIAN CANCER, SUSCEPTIBILITY TO; BRCA1 Hereditary Breast and Ovarian Cancer. Identifiers: Orphanet 145, MedGen C2676676, MONDO:0011450, OMIM 604370. Disease mechanism: loss of function.

Allele frequency attached by ClinVar (database versions not stated): TOPMed 0.00596; gnomAD 0.00506; 1000 Genomes Project 0.00779.
gnomAD v4.1: 824 of 152,332 alleles (0.54%); highest among the groups gnomAD compares: African/African-American, 1.8%; 11 homozygotes.

Submission:

Evidence-based Network for the Interpretation of Germline Mutant Alleles (ENIGMA)
Classification: Benign for Breast-ovarian cancer, familial 1. Last evaluated: 2015-01-12. Review status: reviewed by expert panel. Criteria: ENIGMA BRCA1/2 Classification Criteria (2015). Collection method: curation. Allele origin: germline.
Comment: Class 1 not pathogenic based on frequency >1% in an outbred sampleset. Frequency 0.03 (African), derived from 1000 genomes (2012-04-30).

NM_007294.3(BRCA1):c.-1959C>T

Genes: BRCA1 (BRCA1 DNA repair associated; minus strand), NBR2 (neighbor of BRCA1 lncRNA 2; plus strand), LOC111589215 (BRCA1 promoter region; plus strand). Cytogenetic location: 17q21.31.
Variant type: single nucleotide variant.
Coding change: c.-1959C>T on transcript NM_007294.3; 1959 bases upstream of the start codon, C replaced by T.
Molecular consequence: intron variant (on NM_001408458.1).
Genome position (GRCh38, 1-based): chr17:43,127,210, G>A on the plus strand (C>T on the coding strand, the complement: BRCA1 is on the minus strand). VCF-style: chr17-43127210-G-A. GRCh37 (hg19) VCF-style: chr17-41279227-G-A.
Other names: -1840 C>T; c.-61-11431C>T (NM_001408458.1).
Identifiers: ClinVar variation 209588 (VCV000209588.3), dbSNP rs799909, ClinGen allele CA276557.